The following is an entry in ClinVar:

NM_024009.3(GJB3):c.302G>A (p.Arg101Gln)

Gene: GJB3 (gap junction protein beta 3; plus strand). Cytogenetic location: 1p34.3.
Variant type: single nucleotide variant.
Coding change: c.302G>A on transcript NM_024009.3 (MANE Select); coding-DNA position 302, G replaced by A.
Protein change: p.Arg101Gln; replaces arginine 101 with glutamine.
Molecular consequence: missense variant.
Genome position (GRCh38, 1-based): chr1:34,785,064, G>A. VCF-style: chr1-34785064-G-A. GRCh37 (hg19) VCF-style: chr1-35250665-G-A.
Other names: c.302G>A, p.Arg101Gln (NM_001005752.2); c.302G>A (NM_024009.2); short protein forms R101Q.
Identifiers: ClinVar variation 1402757 (VCV001402757.10), dbSNP rs765605645, ClinGen allele CA754800.

ClinVar aggregate classification (germline): Conflicting classifications of pathogenicity. Review status: criteria provided, conflicting classifications (1 of 4 stars). 5 submissions from 5 submitters: Likely pathogenic (1); Uncertain significance (4). Last evaluated 2026-04-23.

Conditions:
GJB3-related disorder. Also called: GJB3-related condition.
Autosomal dominant nonsyndromic hearing loss 2B. Also called: DEAFNESS, AUTOSOMAL DOMINANT, WITH OR WITHOUT PERIPHERAL NEUROPATHY. Identifiers: Orphanet 90635, MedGen C2675236, MONDO:0012976, OMIM 612644.

Allele frequency attached by ClinVar (database versions not stated): gnomAD 0.00001 and 0.00002; TOPMed 0.00002.
gnomAD v4.1: 52 of 1,613,948 alleles (0.0032%); highest among the groups gnomAD compares: Middle Eastern, 0.016%; no homozygotes.

Submissions (5):

PreventionGenetics, part of Exact Sciences
Classification: Uncertain significance for GJB3-related condition. Last evaluated: 2026-04-23. Review status: criteria provided, single submitter. Criteria: ACMG Guidelines, 2015. Collection method: clinical testing. Allele origin: germline.
Comment: The GJB3 c.302G>A variant is predicted to result in the amino acid substitution p.Arg101Gln. This variant was reported in an individual with hearing loss (Table 2, Beck et al. 2015. PubMed ID: 25214170). This variant is reported in 0.016% of alleles in individuals of South Asian descent in gnomAD v2.1.1, including 52 heterozygotes in gnomAD v4.0.0, which is likely too high for variant causative for autosomal dominant disorder. At this time, the clinical significance of this variant is uncertain due to the absence of conclusive functional and genetic evidence.

Labcorp Genetics (formerly Invitae), Labcorp
Classification: Uncertain significance. Last evaluated: 2024-08-13. Review status: criteria provided, single submitter. Criteria: Invitae Variant Classification Sherloc (09022015). Collection method: clinical testing. Allele origin: germline.
Comment: This sequence change replaces arginine, which is basic and polar, with glutamine, which is neutral and polar, at codon 101 of the GJB3 protein (p.Arg101Gln). This variant is present in population databases (rs765605645, gnomAD 0.02%). This missense change has been observed in individual(s) with deafness (PMID: 25214170). ClinVar contains an entry for this variant (Variation ID: 1402757). Invitae Evidence Modeling of protein sequence and biophysical properties (such as structural, functional, and spatial information, amino acid conservation, physicochemical variation, residue mobility, and thermodynamic stability) indicates that this missense variant is not expected to disrupt GJB3 protein function with a negative predictive value of 80%. In summary, the available evidence is currently insufficient to determine the role of this variant in disease. Therefore, it has been classified as a Variant of Uncertain Significance.

Laboratory of Prof. Karen Avraham, Tel Aviv University
Classification: Likely pathogenic for Autosomal dominant nonsyndromic hearing loss 2B. Last evaluated: 2024-05-27. Review status: criteria provided, single submitter. Criteria: ACMG Guidelines, 2015. Collection method: research. Allele origin: germline. Affected: yes. Observed: 1 variant allele.
Comment: Likely pathogenic according to Deafness Variation Database based on PMID: 25214170

DFNA2B; sloping mild-profound HL

Revvity Omics, Revvity
Classification: Uncertain significance. Last evaluated: 2023-11-09. Review status: criteria provided, single submitter. Criteria: ACMG Guidelines, 2015. Collection method: clinical testing. Allele origin: germline.

GeneDx
Classification: Uncertain significance. Last evaluated: 2022-12-07. Review status: criteria provided, single submitter. Criteria: GeneDx Variant Classification Process June 2021. Collection method: clinical testing. Allele origin: germline. Affected: yes.
Comment: Reported in a patient with hearing loss in published literature (Beck et al., 2015); In silico analysis supports that this missense variant does not alter protein structure/function; This variant is associated with the following publications: (PMID: 25214170)

Literature cited by the submitters: PubMed 25214170 (cited by Labcorp Genetics (formerly Invitae), Labcorp).